The following is an entry in ClinVar:

NM_007294.4(BRCA1):c.4893T>C (p.Ser1631=)

Gene: BRCA1 (BRCA1 DNA repair associated; minus strand). Cytogenetic location: 17q21.31.
Variant type: single nucleotide variant.
Coding change: c.4893T>C on transcript NM_007294.4 (MANE Select); coding-DNA position 4893, T replaced by C.
Protein change: p.Ser1631=; no amino-acid change (serine 1631 retained).
Molecular consequence: synonymous variant. On other transcripts: intron variant (1).
Genome position (GRCh38, 1-based): chr17:43,071,021, A>G on the plus strand (T>C on the coding strand, the complement: BRCA1 is on the minus strand). VCF-style: chr17-43071021-A-G. GRCh37 (hg19) VCF-style: chr17-41223038-A-G.
Other names: S1631S; c.4680T>C, p.Ser1560= (NM_001407571.1, NM_001407894.1, NM_001407895.1 and 12 more transcripts); c.4959T>C, p.Ser1653= (NM_001407581.1, NM_001407582.1); c.4956T>C, p.Ser1652= (NM_001407583.1, NM_001407585.1, NM_001407587.1 and 1 more transcripts); c.4953T>C, p.Ser1651= (NM_001407590.1, NM_001407591.1); c.4893T>C, p.Ser1631= (NM_001407593.1, NM_001407594.1, NM_001407596.1 and 8 more transcripts); c.4890T>C, p.Ser1630= (NM_001407610.1, NM_001407611.1, NM_001407612.1 and 17 more transcripts); c.4887T>C, p.Ser1629= (NM_001407627.1, NM_001407628.1, NM_001407629.1 and 14 more transcripts); and 72 more.
Identifiers: ClinVar variation 55310 (VCV000055310.12), dbSNP rs80356850, ClinGen allele CA003068.

ClinVar aggregate classification (germline): Likely benign. Review status: reviewed by expert panel (3 of 4 stars). 5 submissions from 5 submitters: Likely benign (1). 4 of the submissions do not count toward it. Last evaluated 2017-06-29.

Conditions:
Hereditary cancer-predisposing syndrome. Also called: Hereditary Cancer Syndrome; Hereditary neoplastic syndrome; Neoplastic Syndromes, Hereditary; Tumor predisposition. Identifiers: Orphanet 140162, MedGen C0027672, MeSH D009386, MONDO:0015356.
Hereditary breast ovarian cancer syndrome. Also called: BRCA1- and BRCA2-Associated Hereditary Breast and Ovarian Cancer; Hereditary breast and ovarian cancer syndrome; Hereditary breast and ovarian cancer syndrome (HBOC); Breast and ovarian cancer; Hereditary breast and/or ovarian cancer syndrome; Hereditary breast and ovarian cancer. Identifiers: Orphanet 145, MedGen C0677776, MeSH D061325, MONDO:0003582. Disease mechanism: loss of function.
Breast-ovarian cancer, familial, susceptibility to, 1 (BROVCA1). Also called: BRCA1 Hereditary Breast and Ovarian Cancer; OVARIAN CANCER, SUSCEPTIBILITY TO. Identifiers: Orphanet 145, MedGen C2676676, MONDO:0011450, OMIM 604370. Disease mechanism: loss of function.

Submissions (6):

Evidence-based Network for the Interpretation of Germline Mutant Alleles (ENIGMA)
Classification: Likely benign for Breast-ovarian cancer, familial, susceptibility to, 1. Last evaluated: 2017-06-29. Review status: reviewed by expert panel. Criteria: ENIGMA BRCA1/2 Classification Criteria (2017-06-29). Collection method: curation. Allele origin: germline.
Comment: Synonymous substitution variant, with low bioinformatic likelihood to result in a splicing aberration (Splicing prior probability 0.02).

Ambry Genetics
Classification: Likely benign for Hereditary cancer-predisposing syndrome. Last evaluated: 2025-04-04. Review status: criteria provided, single submitter. Criteria: Ambry Variant Classification Scheme 2023. Collection method: clinical testing. Allele origin: germline. Not counted in ClinVar's aggregate classification.

Labcorp Genetics (formerly Invitae), Labcorp
Classification: Likely benign for Hereditary breast ovarian cancer syndrome. Last evaluated: 2023-04-14. Review status: criteria provided, single submitter. Criteria: Invitae Variant Classification Sherloc (09022015). Collection method: clinical testing. Allele origin: germline. Not counted in ClinVar's aggregate classification.

Color Diagnostics, LLC DBA Color Health
Classification: Likely benign for Hereditary cancer-predisposing syndrome. Last evaluated: 2017-11-07. Review status: criteria provided, single submitter. Criteria: ACMG Guidelines, 2015. Collection method: clinical testing. Allele origin: germline. Not counted in ClinVar's aggregate classification.

Breast Cancer Information Core (BIC) (BRCA1)
Classification: Uncertain significance for Breast-ovarian cancer, familial 1. Last evaluated: 2002-08-23. Review status: no assertion criteria provided. Collection method: clinical testing. Allele origin: germline. Affected: yes. Observed: 1 variant allele. Not counted in ClinVar's aggregate classification.

Brotman Baty Institute, University of Washington
No classification provided (evidence only). Condition: Breast-ovarian cancer, familial 1. Review status: no classification provided. Collection method: in vitro. Allele origin: not applicable. Functional consequence: functionally_normal. Not counted in ClinVar's aggregate classification.
ClinVar note: "not provided" was previously submitted as the classification for the variant. However, the classification appeared to be based only on an observation of functional data so it was converted to no classification on 2025-07-30.

Literature cited by the submitters: Ladopolou-et-al.,-Cancer-Lett,-185:61,-2002 (cited by Breast Cancer Information Core (BIC) (BRCA1)).